The following is an entry in ClinVar:

NM_005245.4(FAT1):c.12671C>G (p.Ala4224Gly)

Gene: FAT1 (FAT atypical cadherin 1; minus strand). Cytogenetic location: 4q35.2.
Variant type: single nucleotide variant.
Coding change: c.12671C>G on transcript NM_005245.4 (MANE Select); coding-DNA position 12671, C replaced by G.
Protein change: p.Ala4224Gly; replaces alanine 4224 with glycine.
Molecular consequence: missense variant.
Genome position (GRCh38, 1-based): chr4:186,596,869, G>C on the plus strand (C>G on the coding strand, the complement: FAT1 is on the minus strand). VCF-style: chr4-186596869-G-C. GRCh37 (hg19) VCF-style: chr4-187518023-G-C.
Other names: c.12671C>G (NM_005245.3); short protein forms A4224G.
Identifiers: ClinVar variation 1473857 (VCV001473857.7), dbSNP rs748406098, ClinGen allele CA3164758.

ClinVar aggregate classification (germline): Uncertain significance. Review status: criteria provided, multiple submitters, no conflicts (2 of 4 stars). 2 submissions from 2 submitters: Uncertain significance (2). Last evaluated 2025-01-06.

Conditions:
Inborn genetic diseases. Identifiers: MedGen C0950123, MeSH D030342.

Allele frequency attached by ClinVar (database versions not stated): ExAC 0.00001; gnomAD exomes 0.00001.
gnomAD v4.1: 18 of 1,614,032 alleles (0.0011%); highest among the groups gnomAD compares: Non-Finnish European, 0.0011%; no homozygotes.

Submissions (2):

Labcorp Genetics (formerly Invitae), Labcorp
Classification: Uncertain significance. Last evaluated: 2025-01-06. Review status: criteria provided, single submitter. Criteria: Invitae Variant Classification Sherloc (09022015). Collection method: clinical testing. Allele origin: germline.
Comment: This sequence change replaces alanine, which is neutral and non-polar, with glycine, which is neutral and non-polar, at codon 4224 of the FAT1 protein (p.Ala4224Gly). This variant is present in population databases (rs748406098, gnomAD 0.009%). This variant has not been reported in the literature in individuals affected with FAT1-related conditions. ClinVar contains an entry for this variant (Variation ID: 1473857). An algorithm developed to predict the effect of missense changes on protein structure and function (PolyPhen-2) suggests that this variant is likely to be tolerated. Algorithms developed to predict the effect of sequence changes on RNA splicing suggest that this variant may create or strengthen a splice site. In summary, the available evidence is currently insufficient to determine the role of this variant in disease. Therefore, it has been classified as a Variant of Uncertain Significance.

Ambry Genetics
Classification: Uncertain significance for Inborn genetic diseases. Last evaluated: 2022-10-25. Review status: criteria provided, single submitter. Criteria: Ambry Variant Classification Scheme 2023. Collection method: clinical testing. Allele origin: germline.